The following is an entry in ClinVar:

NM_001164508.2(NEB):c.10377C>T (p.Asp3459=)

Gene: NEB (nebulin; minus strand). Cytogenetic location: 2q23.3.
Variant type: single nucleotide variant.
Coding change: c.10377C>T on transcript NM_001164508.2 (MANE Select); coding-DNA position 10377, C replaced by T.
Protein change: p.Asp3459=; no amino-acid change (aspartic acid 3459 retained).
Molecular consequence: synonymous variant.
Genome position (GRCh38, 1-based): chr2:151,625,609, G>A on the plus strand (C>T on the coding strand, the complement: NEB is on the minus strand). VCF-style: chr2-151625609-G-A. GRCh37 (hg19) VCF-style: chr2-152482123-G-A.
Other names: c.10377C>T, p.Asp3459= (NM_001164507.2, NM_001271208.2); c.9648C>T, p.Asp3216= (NM_004543.5).
Identifiers: ClinVar variation 388061 (VCV000388061.14), dbSNP rs373823362, ClinGen allele CA1909041.

ClinVar aggregate classification (germline): Likely benign. Review status: criteria provided, multiple submitters, no conflicts (2 of 4 stars). 3 submissions from 3 submitters: Likely benign (2). 1 of the submissions does not count toward it. Last evaluated 2025-10-22.

Conditions:
NEB-related disorder. Also called: NEB-related condition; NEB-Related Disorders.
Nemaline myopathy 2 (NEM2). Also called: Nemaline myopathy 2, autosomal recessive. Identifiers: MedGen C1850569, MONDO:0009725, OMIM 256030.

Allele frequency attached by ClinVar (database versions not stated): gnomAD exomes 0.00001 and 0.00002; ExAC 0.00005; TOPMed 0.00009; gnomAD 0.00010 and 0.00013; ESP Exome Variant Server 0.00017; 1000 Genomes Project 0.00020; 1000 Genomes Project 30x 0.00031.
gnomAD v4.1: 29 of 1,605,864 alleles (0.0018%); highest among the groups gnomAD compares: African/African-American, 0.037%; no homozygotes.

Submissions (3):

Labcorp Genetics (formerly Invitae), Labcorp
Classification: Likely benign for Nemaline myopathy 2. Last evaluated: 2025-10-22. Review status: criteria provided, single submitter. Criteria: Invitae Variant Classification Sherloc (09022015). Collection method: clinical testing. Allele origin: germline.

GeneDx
Classification: Likely benign. Last evaluated: 2016-08-09. Review status: criteria provided, single submitter. Criteria: GeneDx Variant Classification (06012015). Collection method: clinical testing. Allele origin: germline. Affected: yes.
Comment: This variant is considered likely benign or benign based on one or more of the following criteria: it is a conservative change, it occurs at a poorly conserved position in the protein, it is predicted to be benign by multiple in silico algorithms, and/or has population frequency not consistent with disease.

PreventionGenetics, part of Exact Sciences
Classification: Likely benign for NEB-related condition. Last evaluated: 2022-12-09. Review status: no assertion criteria provided. Collection method: clinical testing. Allele origin: germline. Not counted in ClinVar's aggregate classification.
Comment: This variant is classified as likely benign based on ACMG/AMP sequence variant interpretation guidelines (Richards et al. 2015 PMID: 25741868, with internal and published modifications).